The following is an entry in ClinVar:

NM_001136018.4(EPHX1):c.121G>A (p.Ala41Thr)

Gene: EPHX1 (epoxide hydrolase 1; plus strand). Cytogenetic location: 1q42.12.
Variant type: single nucleotide variant.
Coding change: c.121G>A on transcript NM_001136018.4 (MANE Select); coding-DNA position 121, G replaced by A.
Protein change: p.Ala41Thr; replaces alanine 41 with threonine.
Molecular consequence: missense variant. On other transcripts: non-coding transcript variant (4).
Genome position (GRCh38, 1-based): chr1:225,828,850, G>A. VCF-style: chr1-225828850-G-A. GRCh37 (hg19) VCF-style: chr1-226016551-G-A.
Other names: c.121G>A, p.Ala41Thr (NM_000120.4, NM_001291163.2, NM_001378426.1 and 6 more transcripts); short protein forms A41T.
Identifiers: ClinVar variation 4989482 (VCV004989482.1).

ClinVar aggregate classification (germline): Likely benign (1 of 4 stars; one submission).

Conditions:
EPHX1-related disorder. Also called: EPHX1-related condition.

Submission:

PreventionGenetics, part of Exact Sciences
Classification: Likely benign for EPHX1-related condition. Last evaluated: 2025-12-02. Review status: criteria provided, single submitter. Criteria: ACMG Guidelines, 2015. Collection method: clinical testing. Allele origin: germline.
Comment: This variant is classified as likely benign based on ACMG/AMP sequence variant interpretation guidelines (Richards et al. 2015 PMID: 25741868, with internal and published modifications).